The following is an entry in ClinVar:

NM_012473.4(TXN2):c.501A>C (p.Ter167Cys)

Gene: TXN2 (thioredoxin 2; minus strand). Cytogenetic location: 22q12.3.
Variant type: single nucleotide variant.
Coding change: c.501A>C on transcript NM_012473.4 (MANE Select); coding-DNA position 501, A replaced by C.
Protein change: p.Ter167Cys.
Molecular consequence: stop lost.
Genome position (GRCh38, 1-based): chr22:36,467,804, T>G on the plus strand (A>C on the coding strand, the complement: TXN2 is on the minus strand). VCF-style: chr22-36467804-T-G. GRCh37 (hg19) VCF-style: chr22-36863851-T-G.
Identifiers: ClinVar variation 2879545 (VCV002879545.3), dbSNP rs1256676540, ClinGen allele CA411367311.

ClinVar aggregate classification (germline): Uncertain significance (1 of 4 stars; one submission).

Allele frequency attached by ClinVar (database versions not stated): gnomAD exomes below 0.00001.

Submission:

Labcorp Genetics (formerly Invitae), Labcorp
Classification: Uncertain significance. Last evaluated: 2023-04-27. Review status: criteria provided, single submitter. Criteria: Invitae Variant Classification Sherloc (09022015). Collection method: clinical testing. Allele origin: germline.
Comment: This sequence change disrupts the translational stop signal of the TXN2 mRNA. It is expected to extend the length of the TXN2 protein by 16 additional amino acid residues. This variant is present in population databases (no rsID available, gnomAD 0.0009%). This variant has not been reported in the literature in individuals affected with TXN2-related conditions. In summary, the available evidence is currently insufficient to determine the role of this variant in disease. Therefore, it has been classified as a Variant of Uncertain Significance.